The following is an entry in ClinVar:

ClinVar aggregate classification (germline): Likely benign. Review status: criteria provided, multiple submitters, no conflicts (2 of 4 stars). 2 submissions from 2 submitters: Likely benign (2). Last evaluated 2025-01-26.

Conditions:
Melanoma, cutaneous malignant, susceptibility to, 3. Also called: Cutaneous malignant melanoma 3. Identifiers: Orphanet 618, MedGen C1836892, MONDO:0012183, OMIM 609048.
Familial melanoma. Also called: Hereditary melanoma; Hereditary cutaneous melanoma. Identifiers: Orphanet 618, MedGen C1512419, MONDO:0018961.

Allele frequency attached by ClinVar (database versions not stated): gnomAD exomes below 0.00001.
gnomAD v4.1: 1 of 1,613,938 alleles (0.000062%); highest among the groups gnomAD compares: Non-Finnish European, 0.000085%; no homozygotes.

Submissions (2):

Labcorp Genetics (formerly Invitae), Labcorp
Classification: Likely benign for Familial melanoma. Last evaluated: 2025-01-26. Review status: criteria provided, single submitter. Criteria: Invitae Variant Classification Sherloc (09022015). Collection method: clinical testing. Allele origin: germline.

Myriad Genetics, Inc.
Classification: Likely benign for Melanoma, cutaneous malignant, susceptibility to, 3. Last evaluated: 2024-09-25. Review status: criteria provided, single submitter. Criteria: Myriad Autosomal Dominant, Autosomal Recessive and X-Linked Classification Criteria (2023). Collection method: clinical testing. Allele origin: unknown.
Comment: This variant is considered likely benign. This variant is intronic and is not expected to impact mRNA splicing.

NM_000075.4(CDK4):c.219-11A>G

Gene: CDK4 (cyclin dependent kinase 4; minus strand). Cytogenetic location: 12q14.1.
Variant type: single nucleotide variant.
Coding change: c.219-11A>G on transcript NM_000075.4 (MANE Select); 11 bases into the intron before coding-DNA position 219, A replaced by G.
Molecular consequence: intron variant.
Genome position (GRCh38, 1-based): chr12:57,751,353, T>C on the plus strand (A>G on the coding strand, the complement: CDK4 is on the minus strand). VCF-style: chr12-57751353-T-C. GRCh37 (hg19) VCF-style: chr12-58145136-T-C.
Identifiers: ClinVar variation 2157777 (VCV002157777.5), dbSNP rs766364815, ClinGen allele CA237844450.